The following is an entry in ClinVar:

NM_004985.5(KRAS):c.441G>T (p.Lys147Asn)

Gene: KRAS (KRAS proto-oncogene, GTPase; minus strand). Cytogenetic location: 12p12.1.
Variant type: single nucleotide variant.
Coding change: c.441G>T on transcript NM_004985.5 (MANE Select); coding-DNA position 441, G replaced by T.
Protein change: p.Lys147Asn; replaces lysine 147 with asparagine.
Molecular consequence: missense variant.
Genome position (GRCh38, 1-based): chr12:25,225,623, C>A on the plus strand (G>T on the coding strand, the complement: KRAS is on the minus strand). VCF-style: chr12-25225623-C-A. GRCh37 (hg19) VCF-style: chr12-25378557-C-A.
Other names: c.441G>T, p.Lys147Asn (NM_001369786.1, NM_001369787.1, NM_033360.4); short protein forms K147N.
Identifiers: ClinVar variation 2752227 (VCV002752227.3), dbSNP rs2141505570, ClinGen allele CA384151056.
Genomic context (GRCh38, chr12:25,225,623, plus strand): 5'-CAGTTATGATTTTGCAGAAAACAGATCTGTATTTATTTCAGTGTTACTTACCTGTCTTGT[C>A]TTTGCTGATGTTTCAATAAAAGGAATTCCATAACTTCTTGCTAAGTCCTGAGCCTGTTTT-3'
Protein context (NP_004976.2, residues 137-157): YGIPFIETSA[Lys147Asn]TRQGVDDAFY

ClinVar aggregate classification (germline): Likely pathogenic (1 of 4 stars; one submission).

Conditions:
RASopathy. Also called: rasopathies; Noonan spectrum disorder. Identifiers: Orphanet 536391, MedGen C5555857, MONDO:0021060.

Submission:

Labcorp Genetics (formerly Invitae), Labcorp
Classification: Likely pathogenic for RASopathy. Last evaluated: 2024-01-09. Review status: criteria provided, single submitter. Criteria: Invitae Variant Classification Sherloc (09022015). Collection method: clinical testing. Allele origin: germline.
Comment: This sequence change replaces lysine, which is basic and polar, with asparagine, which is neutral and polar, at codon 147 of the KRAS protein (p.Lys147Asn). This variant is not present in population databases (gnomAD no frequency). This variant has not been reported in the literature in individuals affected with KRAS-related conditions. Advanced modeling of protein sequence and biophysical properties (such as structural, functional, and spatial information, amino acid conservation, physicochemical variation, residue mobility, and thermodynamic stability) performed at Invitae indicates that this missense variant is expected to disrupt KRAS protein function with a positive predictive value of 95%. This variant disrupts the p.Lys147 amino acid residue in KRAS. Other variant(s) that disrupt this residue have been determined to be pathogenic (PMID: 21797849, 23059812, 29158550). This suggests that this residue is clinically significant, and that variants that disrupt this residue are likely to be disease-causing. In summary, the currently available evidence indicates that the variant is pathogenic, but additional data are needed to prove that conclusively. Therefore, this variant has been classified as Likely Pathogenic.

Literature cited by the submitters: PubMed 21797849; PubMed 23059812; PubMed 29158550.